The following is an entry in ClinVar:

NM_001330311.2(DVL1):c.1682_1683dup (p.Ser562fs)

Gene: DVL1 (dishevelled segment polarity protein 1; minus strand). Cytogenetic location: 1p36.33.
Variant type: Duplication.
Coding change: c.1682_1683dup on transcript NM_001330311.2 (MANE Select); coding-DNA positions 1682 to 1683, 2 bases duplicated (GC; older notation c.1682_1683dupGC).
Protein change: p.Ser562fs; shifts the reading frame from serine 562.
Molecular consequence: frameshift variant.
Genome position (GRCh38, 1-based): chr1:1,338,008-1,338,009, GC duplicated on the plus strand (GC on the coding strand, the reverse complement: DVL1 is on the minus strand). VCF-style (leftmost placement, unchanged base first): chr1-1338007-T-TGC. GRCh37 (hg19) VCF-style: chr1-1273387-T-TGC.
Other names: c.1607_1608dup, p.Ser537fs (NM_004421.3); short protein forms S537fs, S562fs.
Identifiers: ClinVar variation 931630 (VCV000931630.3), dbSNP rs1643642110, ClinGen allele CA1139655454.

ClinVar aggregate classification (germline): Likely pathogenic (1 of 4 stars; one submission).

Conditions:
Autosomal dominant Robinow syndrome 1. Also called: WNT5A-Related Robinow Syndrome, Autosomal Dominant; ROBINOW DWARFISM; ACRAL DYSOSTOSIS WITH FACIAL AND GENITAL ABNORMALITIES; FETAL FACE SYNDROME; Covesdem syndrome (formerly); Costovertebral segmentation defect with mesomelia (formerly). Identifiers: Orphanet 3107, Orphanet 97360, MedGen C4551475, MONDO:0024455, OMIM 180700.

Submission:

Centre for Mendelian Genomics, University Medical Centre Ljubljana
Classification: Likely pathogenic for Autosomal dominant Robinow syndrome 1. Last evaluated: 2019-08-09. Review status: criteria provided, single submitter. Criteria: ACMG Guidelines, 2015. Collection method: clinical testing. Allele origin: unknown. Affected: yes.
Comment: This variant was classified as: Likely pathogenic. The following ACMG criteria were applied in classifying this variant: PVS1,PM2.